The following is an entry in ClinVar:

NM_001330078.2(NRXN1):c.412G>A (p.Val138Met)

Gene: NRXN1 (neurexin 1; minus strand). Cytogenetic location: 2p16.3.
Variant type: single nucleotide variant.
Coding change: c.412G>A on transcript NM_001330078.2 (MANE Select); coding-DNA position 412, G replaced by A.
Protein change: p.Val138Met; replaces valine 138 with methionine.
Molecular consequence: missense variant.
Genome position (GRCh38, 1-based): chr2:51,027,862, C>T on the plus strand (G>A on the coding strand, the complement: NRXN1 is on the minus strand). VCF-style: chr2-51027862-C-T. GRCh37 (hg19) VCF-style: chr2-51255000-C-T.
Other names: c.412G>A, p.Val138Met (NM_001135659.3, NM_001330077.2, NM_001330079.2 and 15 more transcripts); short protein forms V138M.
Identifiers: ClinVar variation 3372750 (VCV003372750.1).
Genomic context (GRCh38, chr2:51,027,862, plus strand): 5'-GCCCCCCGACGAAAAGGCCGCTGAACACCGTCATGTCCCTGCGCTTGGACTTGACCTCCA[C>T]CCACTTGGCCTCCACCTGGTCGATGAAGAGCGTGGTGTTGCGGAACTGGCGGCGGATGCG-3'
Protein context (NP_001317007.1, residues 128-148): LFIDQVEAKW[Val138Met]EVKSKRRDMT

ClinVar aggregate classification (germline): Uncertain significance (1 of 4 stars; one submission).

Submission:

GeneDx
Classification: Uncertain significance. Last evaluated: 2024-04-23. Review status: criteria provided, single submitter. Criteria: GeneDx Variant Classification Process June 2021. Collection method: clinical testing. Allele origin: germline. Affected: yes.
Comment: Not observed at significant frequency in large population cohorts (gnomAD); In silico analysis indicates that this missense variant does not alter protein structure/function; Has not been previously published as pathogenic or benign to our knowledge